The following is an entry in ClinVar:

ClinVar aggregate classification (germline): Uncertain significance. Review status: criteria provided, multiple submitters, no conflicts (2 of 4 stars). 2 submissions from 2 submitters: Uncertain significance (2). Last evaluated 2023-12-26.

Allele frequency attached by ClinVar (database versions not stated): ExAC 0.00008; gnomAD exomes 0.00013.
gnomAD v4.1: 43 of 1,609,524 alleles (0.0027%); highest among the groups gnomAD compares: Admixed American, 0.068%; no homozygotes.

Submissions (2):

Ambry Genetics
Classification: Uncertain significance. Last evaluated: 2023-12-26. Review status: criteria provided, single submitter. Criteria: Ambry Variant Classification Scheme 2023. Collection method: clinical testing. Allele origin: germline.

Labcorp Genetics (formerly Invitae), Labcorp
Classification: Uncertain significance. Last evaluated: 2022-08-09. Review status: criteria provided, single submitter. Criteria: Invitae Variant Classification Sherloc (09022015). Collection method: clinical testing. Allele origin: germline.
Comment: This sequence change replaces leucine, which is neutral and non-polar, with phenylalanine, which is neutral and non-polar, at codon 166 of the IFNAR2 protein (p.Leu166Phe). This variant is present in population databases (rs764980427, gnomAD 0.1%). This variant has not been reported in the literature in individuals affected with IFNAR2-related conditions. ClinVar contains an entry for this variant (Variation ID: 1460822). Algorithms developed to predict the effect of missense changes on protein structure and function output the following: SIFT: "Tolerated"; PolyPhen-2: "Possibly Damaging"; Align-GVGD: "Class C0". The phenylalanine amino acid residue is found in multiple mammalian species, which suggests that this missense change does not adversely affect protein function. In summary, the available evidence is currently insufficient to determine the role of this variant in disease. Therefore, it has been classified as a Variant of Uncertain Significance.

NM_001289125.3(IFNAR2):c.498A>C (p.Leu166Phe)

Genes: IFNAR2 (interferon alpha and beta receptor subunit 2; plus strand), IFNAR2-IL10RB (IFNAR2-IL10RB readthrough; plus strand). Cytogenetic location: 21q22.11.
Variant type: single nucleotide variant.
Coding change: c.498A>C on transcript NM_001289125.3 (MANE Select); coding-DNA position 498, A replaced by C.
Protein change: p.Leu166Phe; replaces leucine 166 with phenylalanine.
Molecular consequence: missense variant.
Genome position (GRCh38, 1-based): chr21:33,248,812, A>C. VCF-style: chr21-33248812-A-C. GRCh37 (hg19) VCF-style: chr21-34621117-A-C.
Other names: c.498A>C, p.Leu166Phe (NM_001289126.2, NM_001289128.2, NM_001385054.1 and 4 more transcripts); c.498A>C (NM_207585.1); short protein forms L166F.
Identifiers: ClinVar variation 1460822 (VCV001460822.4), dbSNP rs764980427, ClinGen allele CA10005671.